The following is an entry in ClinVar:

NM_000784.4(CYP27A1):c.1112C>T (p.Ala371Val)

Gene: CYP27A1 (cytochrome P450 family 27 subfamily A member 1; plus strand). Cytogenetic location: 2q35.
Variant type: single nucleotide variant.
Coding change: c.1112C>T on transcript NM_000784.4 (MANE Select); coding-DNA position 1112, C replaced by T.
Protein change: p.Ala371Val; replaces alanine 371 with valine.
Molecular consequence: missense variant.
Genome position (GRCh38, 1-based): chr2:218,814,115, C>T. VCF-style: chr2-218814115-C-T. GRCh37 (hg19) VCF-style: chr2-219678838-C-T.
Other names: short protein forms A371V.
Identifiers: ClinVar variation 2196225 (VCV002196225.1), dbSNP rs375590401, ClinGen allele CA2112805.
Genomic context (GRCh38, chr2:218,814,115, plus strand): 5'-TCTCAAAGGACCCTGAGATCCAGGAGGCCTTGCACGAGGAAGTGGTGGGTGTGGTGCCAG[C>T]CGGGCAAGTGCCCCAGCACAAGGACTTTGCCCACATGCCGTTGCTCAAAGCTGTGCTTAA-3'
Protein context (NP_000775.1, residues 361-381): LHEEVVGVVP[Ala371Val]GQVPQHKDFA

ClinVar aggregate classification (germline): Uncertain significance (1 of 4 stars; one submission).

Conditions:
Cholestanol storage disease (CTX). Also called: CTX: Cerebrotendinous xanthomatosis; CEREBRAL CHOLESTERINOSIS; Cerebrotendinous Xanthomatosis. Identifiers: Orphanet 909, MedGen C0238052, MONDO:0008948, OMIM 213700.

Allele frequency attached by ClinVar (database versions not stated): ExAC 0.00004; gnomAD exomes 0.00005; gnomAD 0.00007; TOPMed 0.00007; ESP Exome Variant Server 0.00008.
gnomAD v4.1: 74 of 1,614,134 alleles (0.0046%); highest among the groups gnomAD compares: Non-Finnish European, 0.0062%; no homozygotes.

Submission:

Labcorp Genetics (formerly Invitae), Labcorp
Classification: Uncertain significance for Cholestanol storage disease. Last evaluated: 2022-10-28. Review status: criteria provided, single submitter. Criteria: Invitae Variant Classification Sherloc (09022015). Collection method: clinical testing. Allele origin: germline.
Comment: This sequence change replaces alanine, which is neutral and non-polar, with valine, which is neutral and non-polar, at codon 371 of the CYP27A1 protein (p.Ala371Val). This variant is present in population databases (rs375590401, gnomAD 0.01%). This variant has not been reported in the literature in individuals affected with CYP27A1-related conditions. Advanced modeling of protein sequence and biophysical properties (such as structural, functional, and spatial information, amino acid conservation, physicochemical variation, residue mobility, and thermodynamic stability) performed at Invitae indicates that this missense variant is not expected to disrupt CYP27A1 protein function. In summary, the available evidence is currently insufficient to determine the role of this variant in disease. Therefore, it has been classified as a Variant of Uncertain Significance.